The following is an entry in ClinVar:

ClinVar aggregate classification (germline): Uncertain significance (1 of 4 stars; one submission).

Conditions:
Familial adenomatous polyposis 1 (FAP1). Also called: POLYPOSIS, ADENOMATOUS INTESTINAL; FAMILIAL ADENOMATOUS POLYPOSIS 1, ATTENUATED. Identifiers: MedGen C2713442, MONDO:0021056, OMIM 175100. Disease mechanism: loss of function.

Submission:

Labcorp Genetics (formerly Invitae), Labcorp
Classification: Uncertain significance for Familial adenomatous polyposis 1. Last evaluated: 2018-07-24. Review status: criteria provided, single submitter. Criteria: Invitae Variant Classification Sherloc (09022015). Collection method: clinical testing. Allele origin: germline.
Comment: Algorithms developed to predict the effect of missense changes on protein structure and function are either unavailable or do not agree on the potential impact of this missense change (SIFT: "Deleterious"; PolyPhen-2: "Possibly Damaging"; Align-GVGD: "Class C0"). In summary, the available evidence is currently insufficient to determine the role of this variant in disease. Therefore, it has been classified as a Variant of Uncertain Significance. This variant has not been reported in the literature in individuals with APC-related disease. This variant is not present in population databases (ExAC no frequency). This sequence change replaces serine with cysteine at codon 2296 of the APC protein (p.Ser2296Cys). The serine residue is moderately conserved and there is a moderate physicochemical difference between serine and cysteine.

NM_000038.6(APC):c.6886A>T (p.Ser2296Cys)

Gene: APC (APC regulator of Wnt signaling pathway; plus strand). Cytogenetic location: 5q22.2.
Variant type: single nucleotide variant.
Coding change: c.6886A>T on transcript NM_000038.6 (MANE Select); coding-DNA position 6886, A replaced by T.
Protein change: p.Ser2296Cys; replaces serine 2296 with cysteine.
Molecular consequence: missense variant.
Genome position (GRCh38, 1-based): chr5:112,842,480, A>T. VCF-style: chr5-112842480-A-T. GRCh37 (hg19) VCF-style: chr5-112178177-A-T.
Other names: c.6886A>T, p.Ser2296Cys (NM_001127510.3, NM_001354895.2); c.6832A>T, p.Ser2278Cys (NM_001127511.3); c.6940A>T, p.Ser2314Cys (NM_001354896.2); c.6916A>T, p.Ser2306Cys (NM_001354897.2); c.6811A>T, p.Ser2271Cys (NM_001354898.2); c.6802A>T, p.Ser2268Cys (NM_001354899.2); c.6763A>T, p.Ser2255Cys (NM_001354900.2); c.6709A>T, p.Ser2237Cys (NM_001354901.2); and 5 more; short protein forms S2136C, S2170C, S2205C, S2237C, S2271C, S2306C, S2314C, S2013C.
Identifiers: ClinVar variation 653712 (VCV000653712.10), dbSNP rs773969436, ClinGen allele CA16036357.